The following is an entry in ClinVar:

ClinVar aggregate classification (germline): Uncertain significance (1 of 4 stars; one submission).

Conditions:
Autosomal dominant childhood-onset proximal spinal muscular atrophy with contractures (SMALED2A). Also called: SPINAL MUSCULAR ATROPHY, LOWER EXTREMITY-PREDOMINANT, 2A, CHILDHOOD ONSET, AUTOSOMAL DOMINANT; Spinal muscular atrophy, lower extremity-predominant, 2A, autosomal dominant. Identifiers: Orphanet 363447, Orphanet 363454, MedGen C4747715, MONDO:0014121, OMIM 615290.

Submission:

Labcorp Genetics (formerly Invitae), Labcorp
Classification: Uncertain significance for Autosomal dominant childhood-onset proximal spinal muscular atrophy with contractures. Last evaluated: 2025-08-21. Review status: criteria provided, single submitter. Criteria: Invitae Variant Classification Sherloc (09022015). Collection method: clinical testing. Allele origin: germline.
Comment: This variant, c.25_27dup, results in the insertion of 1 amino acid(s) of the BICD2 protein (p.Glu9dup), but otherwise preserves the integrity of the reading frame. This variant is present in population databases (rs751269137, gnomAD 0.01%). This variant has not been reported in the literature in individuals affected with BICD2-related conditions. This variant has been observed in at least one individual who was not affected with BICD2-related conditions (internal data). Experimental studies and prediction algorithms are not available or were not evaluated, and the functional significance of this variant is currently unknown. In summary, the available evidence is currently insufficient to determine the role of this variant in disease. Therefore, it has been classified as a Variant of Uncertain Significance.

NM_001003800.2(BICD2):c.16GAG[5] (p.Glu9_Tyr10insGlu)

Gene: BICD2 (BICD cargo adaptor 2; minus strand). Cytogenetic location: 9q22.31.
Variant type: Microsatellite.
Coding change: c.16GAG[5] on transcript NM_001003800.2 (MANE Select); five copies in a row of the 3-base unit GAG starting at c.16; the reference has four copies in a row; one copy, 3 bases duplicated.
Protein change: p.Glu9_Tyr10insGlu.
Molecular consequence: inframe insertion.
Genome position (GRCh38, 1-based): chr9:92,764,718-92,764,720, CTC duplicated on the plus strand (GAG on the coding strand, the reverse complement: BICD2 is on the minus strand); duplicating any 3 consecutive bases within chr9:92,764,718-92,764,730 gives the same sequence; the position shown is the placement nearest the transcript's 3' end. VCF-style (leftmost placement, unchanged base first): chr9-92764717-A-ACTC. GRCh37 (hg19) VCF-style: chr9-95526999-A-ACTC.
Other names: c.16GAG[5], p.Glu9_Tyr10insGlu (NM_015250.4).
Identifiers: ClinVar variation 2096506 (VCV002096506.4), dbSNP rs751269137, ClinGen allele CA5126895.